The following is an entry in ClinVar:

NM_000334.4(SCN4A):c.4342C>G (p.Arg1448Gly)

Genes: GH-LCR (growth hormone locus control region; plus strand), SCN4A (sodium voltage-gated channel alpha subunit 4; minus strand). Cytogenetic location: 17q23.3.
Variant type: single nucleotide variant.
Coding change: c.4342C>G on transcript NM_000334.4 (MANE Select); coding-DNA position 4342, C replaced by G.
Protein change: p.Arg1448Gly; replaces arginine 1448 with glycine.
Molecular consequence: missense variant.
Genome position (GRCh38, 1-based): chr17:63,941,940, G>C on the plus strand (C>G on the coding strand, the complement: SCN4A is on the minus strand). VCF-style: chr17-63941940-G-C. GRCh37 (hg19) VCF-style: chr17-62019300-G-C.
Other names: short protein forms R1448G.
Identifiers: ClinVar variation 1451612 (VCV001451612.8), dbSNP rs121908544, ClinGen allele CA400616190.

ClinVar aggregate classification (germline): Pathogenic (1 of 4 stars; one submission).

Conditions:
Hyperkalemic periodic paralysis. Also called: Familial hyperkalemic periodic paralysis; Gamstorp disease. Identifiers: Orphanet 682, MedGen C0238357, MONDO:0008224, OMIM 170500, HP:0007215.

Submission:

Labcorp Genetics (formerly Invitae), Labcorp
Classification: Pathogenic for Hyperkalemic periodic paralysis. Last evaluated: 2026-01-07. Review status: criteria provided, single submitter. Criteria: Invitae Variant Classification Sherloc (09022015). Collection method: clinical testing. Allele origin: germline.
Comment: This sequence change replaces arginine, which is basic and polar, with glycine, which is neutral and non-polar, at codon 1448 of the SCN4A protein (p.Arg1448Gly). This variant is not present in population databases (gnomAD no frequency). This missense change has been observed in individual(s) with autosomal dominant paramyotonia congenita (PMID: 32594687). In at least one individual the variant was observed to be de novo. ClinVar contains an entry for this variant (Variation ID: 1451612). Invitae Evidence Modeling of protein sequence and biophysical properties (such as structural, functional, and spatial information, amino acid conservation, physicochemical variation, residue mobility, and thermodynamic stability) indicates that this missense variant is expected to disrupt SCN4A protein function with a positive predictive value of 95%. This variant disrupts the p.Arg1448 amino acid residue in SCN4A. Other variant(s) that disrupt this residue have been determined to be pathogenic (PMID: 7676326, 8619545). This suggests that this residue is clinically significant, and that variants that disrupt this residue are likely to be disease-causing. For these reasons, this variant has been classified as Pathogenic.

Literature cited by the submitters: PubMed 32594687; PubMed 7676326; PubMed 8619545.